The following is an entry in ClinVar:

NM_001242896.3(DEPDC5):c.3256C>G (p.Pro1086Ala)

Gene: DEPDC5 (DEP domain containing 5, GATOR1 subcomplex subunit; plus strand). Cytogenetic location: 22q12.3.
Variant type: single nucleotide variant.
Coding change: c.3256C>G on transcript NM_001242896.3 (MANE Select); coding-DNA position 3256, C replaced by G.
Protein change: p.Pro1086Ala; replaces proline 1086 with alanine.
Molecular consequence: missense variant. On other transcripts: non-coding transcript variant (5).
Genome position (GRCh38, 1-based): chr22:31,857,545, C>G. VCF-style: chr22-31857545-C-G. GRCh37 (hg19) VCF-style: chr22-32253531-C-G.
Other names: c.3229C>G, p.Pro1077Ala (NM_001136029.4, NM_001369903.1, NM_014662.6); c.3022C>G, p.Pro1008Ala (NM_001242897.2, NM_001363854.2, NM_001364319.2); c.3256C>G, p.Pro1086Ala (NM_001363852.2, NM_001364318.2, NM_001364320.2); c.3172C>G, p.Pro1058Ala (NM_001369901.1, NM_001369902.1); short protein forms P1058A, P1086A, P1008A, P1077A.
Identifiers: ClinVar variation 2769019 (VCV002769019.3), dbSNP rs914056153, ClinGen allele CA411293890.

ClinVar aggregate classification (germline): Uncertain significance (1 of 4 stars; one submission).

Conditions:
Familial focal epilepsy with variable foci (FPEVF). Identifiers: Orphanet 98820, MedGen C1858477, MONDO:0020310.

Submission:

Labcorp Genetics (formerly Invitae), Labcorp
Classification: Uncertain significance for Familial focal epilepsy with variable foci. Last evaluated: 2023-10-16. Review status: criteria provided, single submitter. Criteria: Invitae Variant Classification Sherloc (09022015). Collection method: clinical testing. Allele origin: germline.
Comment: This sequence change replaces proline, which is neutral and non-polar, with alanine, which is neutral and non-polar, at codon 1086 of the DEPDC5 protein (p.Pro1086Ala). This variant is not present in population databases (gnomAD no frequency). This variant has not been reported in the literature in individuals affected with DEPDC5-related conditions. Experimental studies and prediction algorithms are not available or were not evaluated, and the functional significance of this variant is currently unknown. In summary, the available evidence is currently insufficient to determine the role of this variant in disease. Therefore, it has been classified as a Variant of Uncertain Significance.